The following is an entry in ClinVar:

ClinVar aggregate classification (germline): Uncertain significance (1 of 4 stars; one submission).

Conditions:
Primary ciliary dyskinesia 5. Also called: CILIARY DYSKINESIA, PRIMARY, 5, WITHOUT SITUS INVERSUS. Identifiers: Orphanet 244, MedGen C1837615, MONDO:0012088, OMIM 608647.

Submission:

Daryl Scott Lab, Baylor College of Medicine
Classification: Uncertain significance for Primary ciliary dyskinesia 5. Last evaluated: 2024-04-01. Review status: criteria provided, single submitter. Criteria: ACMG Guidelines, 2015. Collection method: clinical testing. Allele origin: biparental. Observed: 1 homozygote.
Comment: BP4

NM_001270974.2(HYDIN):c.955A>G (p.Ile319Val)

Gene: HYDIN (HYDIN axonemal central pair apparatus protein; minus strand). Cytogenetic location: 16q22.2.
Variant type: single nucleotide variant.
Coding change: c.955A>G on transcript NM_001270974.2 (MANE Select); coding-DNA position 955, A replaced by G.
Protein change: p.Ile319Val; replaces isoleucine 319 with valine.
Molecular consequence: missense variant.
Genome position (GRCh38, 1-based): chr16:71,137,239, T>C on the plus strand (A>G on the coding strand, the complement: HYDIN is on the minus strand). VCF-style: chr16-71137239-T-C. GRCh37 (hg19) VCF-style: chr16-71171142-T-C.
Other names: c.1036A>G, p.Ile346Val (NM_001198542.1); c.1006A>G, p.Ile336Val (NM_001198543.1); c.955A>G, p.Ile319Val (NM_017558.5); short protein forms I319V, I336V, I346V.
Identifiers: ClinVar variation 3778780 (VCV003778780.1).